The following is an entry in ClinVar:

NM_001903.5(CTNNA1):c.1057G>T (p.Gly353Cys)

Gene: CTNNA1 (catenin alpha 1; plus strand). Cytogenetic location: 5q31.2.
Variant type: single nucleotide variant.
Coding change: c.1057G>T on transcript NM_001903.5 (MANE Select); coding-DNA position 1057, G replaced by T.
Protein change: p.Gly353Cys; replaces glycine 353 with cysteine.
Molecular consequence: missense variant.
Genome position (GRCh38, 1-based): chr5:138,827,713, G>T. VCF-style: chr5-138827713-G-T. GRCh37 (hg19) VCF-style: chr5-138163402-G-T.
Other names: c.1057G>T, p.Gly353Cys (NM_001290307.3, NM_001323982.2, NM_001323983.1 and 3 more transcripts); c.748G>T, p.Gly250Cys (NM_001290309.3); c.688G>T, p.Gly230Cys (NM_001290310.3); short protein forms G230C, G250C, G353C.
Identifiers: ClinVar variation 1016079 (VCV001016079.8), dbSNP rs758284033, ClinGen allele CA361131335.

ClinVar aggregate classification (germline): Uncertain significance (1 of 4 stars; one submission).

Submission:

Labcorp Genetics (formerly Invitae), Labcorp
Classification: Uncertain significance. Last evaluated: 2023-12-15. Review status: criteria provided, single submitter. Criteria: Invitae Variant Classification Sherloc (09022015). Collection method: clinical testing. Allele origin: germline.
Comment: This sequence change replaces glycine, which is neutral and non-polar, with cysteine, which is neutral and slightly polar, at codon 353 of the CTNNA1 protein (p.Gly353Cys). This variant is not present in population databases (gnomAD no frequency). This missense change has been observed in individual(s) with Leber congenital amaurosis (PMID: 28453600). ClinVar contains an entry for this variant (Variation ID: 1016079). Advanced modeling of protein sequence and biophysical properties (such as structural, functional, and spatial information, amino acid conservation, physicochemical variation, residue mobility, and thermodynamic stability) performed at Invitae indicates that this missense variant is not expected to disrupt CTNNA1 protein function with a negative predictive value of 80%. In summary, the available evidence is currently insufficient to determine the role of this variant in disease. Therefore, it has been classified as a Variant of Uncertain Significance.

Literature cited by the submitters: PubMed 28453600.